The following is an entry in ClinVar:

NM_000041.2(APOE):c.526C>T (p.Arg176Cys)

Gene: APOE (apolipoprotein E; plus strand). Cytogenetic location: 19q13.32.
Variant type: single nucleotide variant.
Coding change: c.526C>T on transcript NM_000041.2; coding-DNA position 526, C replaced by T.
Protein change: p.Arg176Cys; replaces arginine 176 with cysteine.
Molecular consequence: missense variant (on NM_000041.4).
Genome position (GRCh38, 1-based): chr19:44,908,822, C>T. VCF-style: chr19-44908822-C-T. GRCh37 (hg19) VCF-style: chr19-45412079-C-T.
Other names: R158C; R148C; c.526C>T, p.Arg176Cys (NM_000041.4, NM_001302689.2, NM_001302690.2 and 1 more transcripts); c.604C>T, p.Arg202Cys (NM_001302688.2); short protein forms R176C, R202C.
Identifiers: ClinVar variation 17848 (VCV000017848.39), dbSNP rs7412, ClinGen allele CA127498.

ClinVar aggregate classification (germline): drug response. Review status: reviewed by expert panel (3 of 4 stars). 12 submissions from 12 submitters: drug response (1). 11 of the submissions do not count toward it. Last evaluated 2021-03-24.

Conditions:
Warfarin response. Also called: Warfarin sensitivity; COUMARIN SENSITIVITY; COUMARIN, POOR METABOLISM OF; WARFARIN RESISTANCE; Coumarin resistance; Coumadin response. Identifiers: MedGen C0750384, MONDO:0007390, OMIM 122700.
Familial type 3 hyperlipoproteinemia. Also called: Apolipoprotein e, deficiency or defect of; Dysbetalipoproteinemia due to defect in apolipoprotein e-d; Familial hyperbeta- and prebetalipoproteinemia; Familial hypercholesterolemia with hyperlipemia; Floating-betalipoproteinemia; Hyperlipemia with familial hypercholesterolemic xanthomatosis. Identifiers: Orphanet 412, MedGen C0020479, MONDO:0018473, OMIM 617347.
atorvastatin response - Efficacy. Identifiers: MedGen CN322724.
Hypercholesterolemia. Also called: Hypercholesterolaemia; Primary hypercholesterolemia. Identifiers: MedGen C0020443, MeSH D006937, HP:0003124.

Allele frequency attached by ClinVar (database versions not stated): ExAC 0.07182; 1000 Genomes Project 0.07508; gnomAD exomes 0.06150 and 0.07400; 1000 Genomes Project 30x 0.07714; TOPMed 0.07812; gnomAD 0.07825 and 0.07986.
gnomAD v4.1: 114,390 of 1,540,810 alleles (7.4%); highest among the groups gnomAD compares: African/African-American, 11%; 4,609 homozygotes.

Submissions (12):

ClinPGx
Classification: drug response for atorvastatin response - Efficacy. Last evaluated: 2021-03-24. Review status: reviewed by expert panel. Criteria: Pharmacogenomics knowledge for personalized medicine. Collection method: curation. Allele origin: germline. Affected: yes.
Comment: PharmGKB Level of Evidence 2B: Variants in Level 2B clinical annotations are not in PharmGKB’s Tier 1 VIPs. These clinical annotations describe variant-drug combinations with a moderate level of evidence supporting the association. For example, the association may be found in multiple cohorts, but there may be a minority of studies that do not support the majority assertion. Level 2B clinical annotations must be supported by at least two independent publications.

Drug is not necessarily used to treat response condition

Laboratory of Genetics, Children's Clinical University Hospital Latvia
Classification: Likely benign. Last evaluated: 2025-02-16. Review status: criteria provided, single submitter. Criteria: ACMG Guidelines, 2015. Collection method: clinical testing. Allele origin: germline. Affected: yes. Not counted in ClinVar's aggregate classification.

Mayo Clinic Laboratories, Mayo Clinic
Classification: Likely benign. Last evaluated: 2024-12-13. Review status: criteria provided, single submitter. Criteria: ACMG Guidelines, 2015. Collection method: clinical testing. Allele origin: germline. Observed: 85 variant alleles. Not counted in ClinVar's aggregate classification.

CeGaT Center for Human Genetics Tuebingen
Classification: Likely benign. Last evaluated: 2023-08-01. Review status: criteria provided, single submitter. Criteria: CeGaT Center For Human Genetics Tuebingen Variant Classification Criteria Version 2. Collection method: clinical testing. Allele origin: germline. Affected: yes. Observed: 1 variant allele. Not counted in ClinVar's aggregate classification.
Comment: APOE: PM5, BS1, BS2

Institute of Human Genetics, University of Leipzig Medical Center
Classification: Benign for Hypercholesterolemia. Last evaluated: 2019-01-01. Review status: criteria provided, single submitter. Criteria: ACMG Guidelines, 2015. Collection method: clinical testing. Allele origin: unknown. Affected: yes. Not counted in ClinVar's aggregate classification.

Eurofins Ntd Llc (ga)
Classification: other. Last evaluated: 2016-02-11. Review status: criteria provided, single submitter. Criteria: EGL Classification Definitions 2015. Collection method: clinical testing. Allele origin: germline. Observed: 1 variant allele, 1 heterozygote. Not counted in ClinVar's aggregate classification.

Molecular Diagnostic Laboratory for Inherited Cardiovascular Disease, Montreal Heart Institute
Classification: risk factor. Review status: criteria provided, single submitter. Criteria: ACMG Guidelines, 2015. Collection method: clinical testing. Allele origin: germline. Affected: yes. Not counted in ClinVar's aggregate classification.

Pharmacogenomics Lab, Chungbuk National University
Classification: drug response for Warfarin response. Last evaluated: 2010-08-31. Review status: no assertion criteria provided. Collection method: research. Allele origin: unknown. Affected: no. Observed: 19 variant alleles. Not counted in ClinVar's aggregate classification.

Department of Pathology and Laboratory Medicine, Sinai Health System
Classification: Uncertain significance. Review status: no assertion criteria provided. Collection method: clinical testing. Allele origin: unknown. Affected: yes. Study: The Canadian Open Genetics Repository (COGR). Not counted in ClinVar's aggregate classification.
Comment: The APOE p.Arg176Cys variant, also known as the APOE Å’Âµ2 allele, was identified in dbSNP (ID: rs7412), ClinVar (reported by EGL Genetics in relation to drug metabolism), Clinvitae, MutDB and LOVD 3.0. The variant was identified in control databases in 10996 of 168078 chromosomes (465 homozygous) at a frequency of 0.065422 increasing the likelihood this could be a low frequency benign variant (Genome Aggregation Database Feb 27, 2017). The variant was observed in the following populations: African in 1632 of 15264 chromosomes (freq: 0.1069), Ashkenazi Jewish in 664 of 8410 chromosomes (freq: 0.07895), European (non-Finnish) in 5202 of 67810 chromosomes (freq: 0.07671), East Asian in 947 of 12608 chromosomes (freq: 0.07511), Other in 328 of 5174 chromosomes (freq: 0.06339), European (Finnish) in 472 of 10686 chromosomes (freq: 0.04417), South Asian in 947 of 22604 chromosomes (freq: 0.0419), and Latino in 804 of 25522 chromosomes (freq: 0.0315). Homozygous individuals with the APOE Å’Âµ2 genotype are at a higher risk of developing type III hyperlipoproteinemia and mouse models with the APOE Å’Âµ2 genotype develop a clear type III hyperlipoproteinemia phenotype (Breslow_1982_PMID: 7175379; Sullivan_1998_PMID: 9649566). However, this variant does not show full penetrance for type III hyperlipoproteinemia and other variants in conjunction with the APOE Å’Âµ2 genotype have been suggested to contribute to the phenotype (Sakuma_2014_PMID: 24953047). Another study found that carriers of the APOE Å’Âµ2 allele had lower baseline LDL cholesterol levels as well as a greater reduction of LDL-C from atorvastatin and pravastatin treatment compared to APOE Å’Âµ4 carriers, implicating this variant as a pharmacogenetic variant (Meg_2009_PMID: 19667110). The p.Arg176 residue is conserved across mammals and other organisms, and four out of five computational analyses (PolyPhen-2, SIFT, AlignGVGD, and BLOSUM) suggest that the variant may impact the protein; however, this information is not predictive enough to assume pathogenicity. In summary, based on the above information the clinical significance of this variant cannot be determined with certainty at this time. This variant is classified as a variant of uncertain significance.

Diagnostic Laboratory, Department of Genetics, University Medical Center Groningen
Classification: Benign. Review status: no assertion criteria provided. Collection method: clinical testing. Allele origin: germline. Affected: yes. Study: VKGL Data-share Consensus. Not counted in ClinVar's aggregate classification.

Genome Diagnostics Laboratory, University Medical Center Utrecht
Classification: Likely benign. Review status: no assertion criteria provided. Collection method: clinical testing. Allele origin: germline. Affected: yes. Study: VKGL Data-share Consensus. Not counted in ClinVar's aggregate classification.

OMIM
Classification: Pathogenic for HYPERLIPOPROTEINEMIA, TYPE III, DUE TO APOE2, AUTOSOMAL RECESSIVE. Last evaluated: 2005-10-01. Review status: flagged submission. Collection method: literature only. Allele origin: germline. Not counted in ClinVar's aggregate classification.
ClinVar note: Reason: Older and outlier claim with insufficient supporting evidence

Literature cited by the submitters: PubMed 16103896 (cited by ClinPGx); PubMed 17289397 (cited by ClinPGx); PubMed 19667110 (cited by ClinPGx); PubMed 20031551 (cited by ClinPGx); PubMed 20031582 (cited by ClinPGx); PubMed 6300187 (cited by OMIM); PubMed 2992507 (cited by OMIM); PubMed 3243553 (cited by OMIM); PubMed 9649566 (cited by OMIM); PubMed 16143024 (cited by OMIM).